The following is an entry in ClinVar:

ClinVar aggregate classification (germline): Likely benign (1 of 4 stars; one submission).

Conditions:
Immunodeficiency 51 (IMD51). Also called: CANDIDIASIS, FAMILIAL, 5. Identifiers: Orphanet 1334, MedGen C4310803, MONDO:0013500, OMIM 613953.

Allele frequency attached by ClinVar (database versions not stated): 1000 Genomes Project 30x 0.00078; 1000 Genomes Project 0.00100; TOPMed 0.00100; gnomAD 0.00113.

Submission:

Illumina Laboratory Services, Illumina
Classification: Likely benign for Immunodeficiency 51. Last evaluated: 2018-01-12. Review status: criteria provided, single submitter. Criteria: ICSL Variant Classification Criteria 13 December 2019. Collection method: clinical testing. Allele origin: germline.
Comment: This variant was observed in the ICSL laboratory as part of a predisposition screen in an ostensibly healthy population. It had not been previously curated by ICSL or reported in the Human Gene Mutation Database (HGMD: prior to June 1st, 2018), and was therefore a candidate for classification through an automated scoring system. Utilizing variant allele frequency, disease prevalence and penetrance estimates, and inheritance mode, an automated score was calculated to assess if this variant is too frequent to cause the disease. Based on the score and internal cut-off values, a variant classified as likely benign is not then subjected to further curation. The score for this variant resulted in a classification of likely benign for this disease.

NM_014339.7(IL17RA):c.*4124G>T

Gene: IL17RA (interleukin 17 receptor A; plus strand). Cytogenetic location: 22q11.1.
Variant type: single nucleotide variant.
Coding change: c.*4124G>T on transcript NM_014339.7 (MANE Select); 4124 bases downstream of the stop codon, G replaced by T.
Molecular consequence: 3 prime UTR variant.
Genome position (GRCh38, 1-based): chr22:17,113,944, G>T. VCF-style: chr22-17113944-G-T. GRCh37 (hg19) VCF-style: chr22-17594834-G-T.
Other names: c.*4124G>T (NM_001289905.2).
Identifiers: ClinVar variation 897384 (VCV000897384.4), dbSNP rs138712036, ClinGen allele CA321156486.